The following is an entry in ClinVar:

NM_019112.4(ABCA7):c.5850del (p.Asp1950fs)

Gene: ABCA7 (ATP binding cassette subfamily A member 7; plus strand). Cytogenetic location: 19p13.3.
Variant type: Deletion.
Coding change: c.5850del on transcript NM_019112.4 (MANE Select); coding-DNA position 5850, one base deleted (C; older notation c.5850delC).
Protein change: p.Asp1950fs; shifts the reading frame from aspartic acid 1950.
Molecular consequence: frameshift variant.
Genome position (GRCh38, 1-based): chr19:1,063,762, C deleted. VCF-style (leftmost placement, unchanged base first): chr19-1063761-AC-A. GRCh37 (hg19) VCF-style: chr19-1063760-AC-A.
Other names: short protein forms D1950fs.
Identifiers: ClinVar variation 3029083 (VCV003029083.3), dbSNP rs769207938, ClinGen allele CA9035039.

ClinVar aggregate classification (germline): Uncertain significance (1 of 4 stars; one submission).

Conditions:
ABCA7-related disorder. Also called: ABCA7-related condition.

Allele frequency attached by ClinVar (database versions not stated): ExAC 0.00020; gnomAD 0.00001; gnomAD exomes 0.00003.

Submission:

PreventionGenetics, part of Exact Sciences
Classification: Uncertain significance for ABCA7-related condition. Last evaluated: 2025-09-10. Review status: criteria provided, single submitter. Criteria: ACMG Guidelines, 2015. Collection method: clinical testing. Allele origin: germline.
Comment: The ABCA7 c.5850delC variant is predicted to result in a frameshift and premature protein termination (p.Asp1950Glufs*29). To our knowledge, this variant has not been reported in the literature. This variant is reported in 0.026% of alleles in individuals of South Asian descent in gnomAD. Loss of function is not an established mechanism of ABCA7-related disease (OMIM #608907; Steinberg et al. 2015. PubMed ID: 25807283). Although we suspect that this variant may be pathogenic, at this time, the clinical significance of this variant is uncertain due to the absence of conclusive functional and genetic evidence.